The following is an entry in ClinVar:

NM_001379500.1(COL18A1):c.107-12663_107-12661del

Gene: COL18A1 (collagen type XVIII alpha 1 chain; plus strand). Cytogenetic location: 21q22.3.
Variant type: Microsatellite.
Coding change: c.107-12663_107-12661del on transcript NM_001379500.1 (MANE Select); 12663 bases into the intron before coding-DNA position 107 through 12661 bases into the intron before coding-DNA position 107, 3 bases deleted (TGC; older notation c.107-12663_107-12661delTGC).
Molecular consequence: intron variant. On other transcripts: inframe deletion (2).
Genome position (GRCh38, 1-based): chr21:45,455,579-45,455,581, TGC deleted; deleting any 3 consecutive bases within chr21:45,455,575-45,455,581 gives the same sequence; the c. name uses the placement nearest the transcript's 3' end. VCF-style (leftmost placement, unchanged base first): chr21-45455574-TCTG-T. GRCh37 (hg19) VCF-style: chr21-46875488-TCTG-T.
Other names: c.46TGC[1], p.Cys17del (NM_030582.4, NM_130444.3); short protein forms C17del.
Identifiers: ClinVar variation 1483617 (VCV001483617.2), dbSNP rs759495424, ClinGen allele CA10065371.
Genomic context (GRCh38, chr21:45,455,574, plus strand): 5'-CCAGCCGCACTGCCCCGATGGCTCCCTACCCCTGTGGCTGCCACATCCTGCTGCTGCTCT[TCTG>T]CTGCCTGGCGGCTGCCCGGGCCAACCTGCTGAACCTGAACTGGCTTTGGTTCAATAATGA-3'

ClinVar aggregate classification (germline): Uncertain significance (1 of 4 stars; one submission).

Submission:

Labcorp Genetics (formerly Invitae), Labcorp
Classification: Uncertain significance. Last evaluated: 2023-12-13. Review status: criteria provided, single submitter. Criteria: Invitae Variant Classification Sherloc (09022015). Collection method: clinical testing. Allele origin: germline.
Comment: The COL18A1 gene has multiple clinically relevant transcripts. This variant occurs in alternate transcript NM_030582.4, and corresponds to NM_130445.2:c.107-12663_107-12661del in the primary transcript. This variant, c.49_51del, results in the deletion of 1 amino acid(s) of the COL18A1 protein (p.Cys17del), but otherwise preserves the integrity of the reading frame. This variant is present in population databases (rs759495424, gnomAD 0.006%). This variant has not been reported in the literature in individuals affected with COL18A1-related conditions. Experimental studies and prediction algorithms are not available or were not evaluated, and the functional significance of this variant is currently unknown. Algorithms developed to predict the effect of sequence changes on RNA splicing suggest that this variant is not likely to affect RNA splicing. In summary, the available evidence is currently insufficient to determine the role of this variant in disease. Therefore, it has been classified as a Variant of Uncertain Significance.